The following is an entry in ClinVar:

NM_000264.5(PTCH1):c.1388C>G (p.Ser463Cys)

Gene: PTCH1 (patched 1; minus strand). Cytogenetic location: 9q22.32.
Variant type: single nucleotide variant.
Coding change: c.1388C>G on transcript NM_000264.5 (MANE Select); coding-DNA position 1388, C replaced by G.
Protein change: p.Ser463Cys; replaces serine 463 with cysteine.
Molecular consequence: missense variant. On other transcripts: non-coding transcript variant (1), intron variant (1).
Genome position (GRCh38, 1-based): chr9:95,477,662, G>C on the plus strand (C>G on the coding strand, the complement: PTCH1 is on the minus strand). VCF-style: chr9-95477662-G-C. GRCh37 (hg19) VCF-style: chr9-98239944-G-C.
Other names: c.1388C>G (NM_000264.4); c.1190C>G, p.Ser397Cys (NM_001083602.3); c.1385C>G, p.Ser462Cys (NM_001083603.3); c.935C>G, p.Ser312Cys (NM_001083604.3, NM_001083605.3, NM_001083606.3 and 1 more transcripts); c.1347+393C>G (NM_001354918.2); short protein forms S397C, S463C, S312C, S462C.
Identifiers: ClinVar variation 486190 (VCV000486190.16), dbSNP rs764195249, ClinGen allele CA5138662.

ClinVar aggregate classification (germline): Conflicting classifications of pathogenicity. Review status: criteria provided, conflicting classifications (1 of 4 stars). 5 submissions from 5 submitters: Uncertain significance (2); Benign (1); Likely benign (2). Last evaluated 2025-05-14.

Conditions:
Hereditary cancer-predisposing syndrome. Also called: Neoplastic Syndromes, Hereditary; Hereditary Cancer Syndrome; Tumor predisposition; Hereditary neoplastic syndrome. Identifiers: Orphanet 140162, MedGen C0027672, MeSH D009386, MONDO:0015356.
Gorlin syndrome. Also called: Nevoid Basal Cell Carcinoma Syndrome; Basal cell nevus syndrome. Identifiers: Orphanet 377, MedGen C0004779, MONDO:0007187.
PTCH1-related disorder. Also called: PTCH1-related disorders; PTCH1-related condition.

Allele frequency attached by ClinVar (database versions not stated): TOPMed below 0.00001; ExAC 0.00002; gnomAD exomes 0.00004.
gnomAD v4.1: 8 of 1,614,192 alleles (0.0005%); highest among the groups gnomAD compares: Admixed American, 0.013%; no homozygotes.

Submissions (5):

Labcorp Genetics (formerly Invitae), Labcorp
Classification: Benign for Gorlin syndrome. Last evaluated: 2025-05-14. Review status: criteria provided, single submitter. Criteria: Invitae Variant Classification Sherloc (09022015). Collection method: clinical testing. Allele origin: germline.

PreventionGenetics, part of Exact Sciences
Classification: Likely benign for PTCH1-related condition. Last evaluated: 2025-05-02. Review status: criteria provided, single submitter. Criteria: ACMG Guidelines, 2015. Collection method: clinical testing. Allele origin: germline.
Comment: This variant is classified as likely benign based on ACMG/AMP sequence variant interpretation guidelines (Richards et al. 2015 PMID: 25741868, with internal and published modifications).

Quest Diagnostics Nichols Institute San Juan Capistrano
Classification: Uncertain significance. Last evaluated: 2023-03-07. Review status: criteria provided, single submitter. Criteria: Quest Diagnostics criteria. Collection method: clinical testing. Allele origin: unknown.
Comment: To the best of our knowledge, the variant has not been reported in the published literature. The frequency of this variant in the general population, 0.00026 (9/34570 chromosomes in Latino/Admixed American subpopulation), is higher than would generally be expected for pathogenic variants in this gene. Analysis of this variant using bioinformatics tools for the prediction of the effect of amino acid changes on protein structure and function yielded conflicting predictions that this variant is deleterious or benign. Based on the available information, we are unable to determine the clinical significance of this variant.

Ambry Genetics
Classification: Likely benign for Hereditary cancer-predisposing syndrome. Last evaluated: 2021-10-08. Review status: criteria provided, single submitter. Criteria: Ambry Variant Classification Scheme 2023. Collection method: clinical testing. Allele origin: germline.

Women's Health and Genetics/Laboratory Corporation of America, LabCorp
Classification: Uncertain significance. Last evaluated: 2021-07-18. Review status: criteria provided, single submitter. Criteria: LabCorp Variant Classification Summary - May 2015. Collection method: clinical testing. Allele origin: germline.
Comment: Variant summary: PTCH1 c.1388C>G (p.Ser463Cys) results in a non-conservative amino acid change located in the Sterol-sensing domain (IPR000731) of the encoded protein sequence. Four of five in-silico tools predict a damaging effect of the variant on protein function. The variant allele was found at a frequency of 3.6e-05 in 251228 control chromosomes. The available data on variant occurrences in the general population are insufficient to allow any conclusion about variant significance. To our knowledge, no occurrence of c.1388C>G in individuals affected with Nevoid Basal Cell Carcinoma Syndrome (Gorlin Syndrome) and no experimental evidence demonstrating its impact on protein function have been reported. Two clinical diagnostic laboratories have submitted clinical-significance assessments for this variant to ClinVar after 2014 without evidence for independent evaluation. All laboratories classified the variant as uncertain significance. Based on the evidence outlined above, the variant was classified as uncertain significance.